The following is an entry in ClinVar:

NM_021728.4(OTX2):c.664G>A (p.Gly222Arg)

Gene: OTX2 (orthodenticle homeobox 2; minus strand). Cytogenetic location: 14q22.3.
Variant type: single nucleotide variant.
Coding change: c.664G>A on transcript NM_021728.4 (MANE Select); coding-DNA position 664, G replaced by A.
Protein change: p.Gly222Arg; replaces glycine 222 with arginine.
Molecular consequence: missense variant. On other transcripts: non-coding transcript variant (2).
Genome position (GRCh38, 1-based): chr14:56,801,965, C>T on the plus strand (G>A on the coding strand, the complement: OTX2 is on the minus strand). VCF-style: chr14-56801965-C-T. GRCh37 (hg19) VCF-style: chr14-57268683-C-T.
Other names: c.640G>A (NM_172337.1); c.640G>A, p.Gly214Arg (NM_001270523.2, NM_001270524.2, NM_172337.3); c.664G>A, p.Gly222Arg (NM_001270525.2); short protein forms G214R, G222R.
Identifiers: ClinVar variation 1409764 (VCV001409764.9), dbSNP rs374968145, ClinGen allele CA7200442.
Genomic context (GRCh38, chr14:56,801,965, plus strand): 5'-ACTGATTGAGATGGCTGGTGACTGCATTGGTACCCATGGGACTGAGTGTGGCCCCTGGTC[C>T]GGGAAGCTGGTGATGCATAGGGGTCAAATATGATCCACAGTCCATGCCCCCAAAGTAGGA-3'
Protein context (NP_068374.1, residues 212-232): YLTPMHHQLP[Gly222Arg]PGATLSPMGT

ClinVar aggregate classification (germline): Conflicting classifications of pathogenicity. Review status: criteria provided, conflicting classifications (1 of 4 stars). 2 submissions from 2 submitters: Uncertain significance (1); Likely benign (1). Last evaluated 2023-11-13.

Conditions:
Anophthalmia-microphthalmia syndrome. Also called: Anophthalmia - microphthalmia; Anophthalmia/Microphthalmia. Identifiers: Orphanet 98555, MedGen C5680330, MONDO:0020147.
Inborn genetic diseases. Identifiers: MedGen C0950123, MeSH D030342.

Allele frequency attached by ClinVar (database versions not stated): gnomAD 0.00003; gnomAD exomes 0.00003 and 0.00004; ExAC 0.00005; TOPMed 0.00005; ESP Exome Variant Server 0.00008.
gnomAD v4.1: 57 of 1,614,010 alleles (0.0035%); highest among the groups gnomAD compares: Middle Eastern, 0.016%; no homozygotes.

Submissions (2):

Labcorp Genetics (formerly Invitae), Labcorp
Classification: Uncertain significance for Anophthalmia-microphthalmia syndrome. Last evaluated: 2023-11-13. Review status: criteria provided, single submitter. Criteria: Invitae Variant Classification Sherloc (09022015). Collection method: clinical testing. Allele origin: germline.
Comment: This sequence change replaces glycine, which is neutral and non-polar, with arginine, which is basic and polar, at codon 214 of the OTX2 protein (p.Gly214Arg). This variant is present in population databases (rs374968145, gnomAD 0.005%). This variant has not been reported in the literature in individuals affected with OTX2-related conditions. ClinVar contains an entry for this variant (Variation ID: 1409764). An algorithm developed to predict the effect of missense changes on protein structure and function (PolyPhen-2) suggests that this variant is likely to be tolerated. In summary, the available evidence is currently insufficient to determine the role of this variant in disease. Therefore, it has been classified as a Variant of Uncertain Significance.

Ambry Genetics
Classification: Likely benign for Inborn genetic diseases. Last evaluated: 2021-03-25. Review status: criteria provided, single submitter. Criteria: Ambry Variant Classification Scheme 2023. Collection method: clinical testing. Allele origin: germline.

Literature cited by the submitters: PubMed 28518168 (cited by Ambry Genetics); PubMed 32461654 (cited by Ambry Genetics).